The following is an entry in ClinVar:

ClinVar aggregate classification (germline): Conflicting classifications of pathogenicity. Review status: criteria provided, conflicting classifications (1 of 4 stars). 3 submissions from 3 submitters: Likely pathogenic (1); Uncertain significance (2). Last evaluated 2026-01-25.

Conditions:
Neurofibromatosis, type 1 (NF1). Also called: NEUROFIBROMATOSIS, TYPE I, SOMATIC; VON RECKLINGHAUSEN DISEASE; Neurofibromatosis, type I; Peripheral type neurofibromatosis. Identifiers: Orphanet 636, MedGen C0027831, MONDO:0018975, OMIM 162200. Disease mechanism: loss of function.

Submissions (3):

Labcorp Genetics (formerly Invitae), Labcorp
Classification: Uncertain significance for Neurofibromatosis, type 1. Last evaluated: 2026-01-25. Review status: criteria provided, single submitter. Criteria: Invitae Variant Classification Sherloc (09022015). Collection method: clinical testing. Allele origin: germline.
Comment: This sequence change falls in intron 14 of the NF1 gene. It does not directly change the encoded amino acid sequence of the NF1 protein. This variant is not present in population databases (gnomAD no frequency). This variant has been observed in individual(s) with clinical features of NF1-related conditions (PMID: 21520333). ClinVar contains an entry for this variant (Variation ID: 641286). Algorithms developed to predict the effect of sequence changes on RNA splicing suggest that this variant may disrupt the consensus splice site. In summary, the available evidence is currently insufficient to determine the role of this variant in disease. Therefore, it has been classified as a Variant of Uncertain Significance.

GeneDx
Classification: Likely pathogenic. Last evaluated: 2025-10-10. Review status: criteria provided, single submitter. Criteria: GeneDx Variant Classification Process June 2021. Collection method: clinical testing. Allele origin: germline. Affected: yes.
Comment: Patient RNA analysis demonstrates production of two aberrant transcripts, both of which introduce a frameshift (Douben H et al. (2023) Hindawi Human Mutation); In silico analysis supports a deleterious effect on splicing; Not observed at significant frequency in large population cohorts (gnomAD); This variant is associated with the following publications: (PMID: 21520333, Douben2023[Functional study])

Quest Diagnostics Nichols Institute San Juan Capistrano
Classification: Uncertain significance. Last evaluated: 2024-03-04. Review status: criteria provided, single submitter. Criteria: Quest Diagnostics criteria. Collection method: clinical testing. Allele origin: unknown.

Literature cited by the submitters: PubMed 21520333 (cited by Labcorp Genetics (formerly Invitae), Labcorp).

NM_001042492.3(NF1):c.1642-9A>G

Gene: NF1 (neurofibromin 1; plus strand). Cytogenetic location: 17q11.2.
Variant type: single nucleotide variant.
Coding change: c.1642-9A>G on transcript NM_001042492.3 (MANE Select); 9 bases into the intron before coding-DNA position 1642, A replaced by G.
Molecular consequence: intron variant.
Genome position (GRCh38, 1-based): chr17:31,221,841, A>G. VCF-style: chr17-31221841-A-G. GRCh37 (hg19) VCF-style: chr17-29548859-A-G.
Other names: c.1642-9A>G (NM_000267.4, NM_001128147.3).
Identifiers: ClinVar variation 641286 (VCV000641286.7), dbSNP rs1597706581, ClinGen allele CA915949714.